The following is an entry in ClinVar:

NM_001367624.2(ZNF469):c.1606G>A (p.Ala536Thr)

Gene: ZNF469 (zinc finger protein 469; plus strand). Cytogenetic location: 16q24.2.
Variant type: single nucleotide variant.
Coding change: c.1606G>A on transcript NM_001367624.2 (MANE Select); coding-DNA position 1606, G replaced by A.
Protein change: p.Ala536Thr; replaces alanine 536 with threonine.
Molecular consequence: missense variant.
Genome position (GRCh38, 1-based): chr16:88,429,076, G>A. VCF-style: chr16-88429076-G-A. GRCh37 (hg19) VCF-style: chr16-88495484-G-A.
Other names: NM_001127464.1:c.1606G>A; short protein forms A536T.
Identifiers: ClinVar variation 3987302 (VCV003987302.1).

ClinVar aggregate classification (germline): Uncertain significance (1 of 4 stars; one submission).

Conditions:
Cardiovascular phenotype. Identifiers: MedGen CN230736.

gnomAD v4.1: 2 of 1,550,002 alleles (0.00013%); highest among the groups gnomAD compares: Non-Finnish European, 0.00017%; no homozygotes.

Submission:

Ambry Genetics
Classification: Uncertain significance for Cardiovascular phenotype. Last evaluated: 2025-03-25. Review status: criteria provided, single submitter. Criteria: Ambry Variant Classification Scheme 2023. Collection method: clinical testing. Allele origin: germline.
Comment: The p.A536T variant (also known as c.1606G>A), located in coding exon 1 of the ZNF469 gene, results from a G to A substitution at nucleotide position 1606. The alanine at codon 536 is replaced by threonine, an amino acid with similar properties. This amino acid position is conserved. In addition, this alteration is predicted to be tolerated by in silico analysis. Based on the available evidence, the clinical significance of this variant remains unclear.